The following is an entry in ClinVar:

NM_005634.3(SOX3):c.848A>C (p.Gln283Pro)

Gene: SOX3 (SRY-box transcription factor 3; minus strand). Cytogenetic location: Xq27.1.
Variant type: single nucleotide variant.
Coding change: c.848A>C on transcript NM_005634.3 (MANE Select); coding-DNA position 848, A replaced by C.
Protein change: p.Gln283Pro; replaces glutamine 283 with proline.
Molecular consequence: missense variant.
Genome position (GRCh38, 1-based): chrX:140,504,213, T>G on the plus strand (A>C on the coding strand, the complement: SOX3 is on the minus strand). VCF-style: chrX-140504213-T-G. GRCh37 (hg19) VCF-style: chrX-139586378-T-G.
Other names: short protein forms Q283P.
Identifiers: ClinVar variation 3167763 (VCV003167763.2), dbSNP rs1002536165, ClinGen allele CA336480998.

ClinVar aggregate classification (germline): Uncertain significance. Review status: criteria provided, multiple submitters, no conflicts (2 of 4 stars). 2 submissions from 2 submitters: Uncertain significance (2). Last evaluated 2024-09-04.

Allele frequency attached by ClinVar (database versions not stated): gnomAD 0.00002.

Submissions (2):

Women's Health and Genetics/Laboratory Corporation of America, LabCorp
Classification: Uncertain significance. Last evaluated: 2024-09-04. Review status: criteria provided, single submitter. Criteria: LabCorp Variant Classification Summary - May 2015. Collection method: clinical testing. Allele origin: germline.
Comment: Variant summary: SOX3 c.848A>C (p.Gln283Pro) results in a non-conservative amino acid change in the encoded protein sequence. Five of five in-silico tools predict a damaging effect of the variant on protein function. This variant has been found at a frequency of 0.000001818 in 1099878 chromosomes in control populations (gnomAD). To our knowledge, no occurrence of c.848A>C in individuals affected with SOX3-Related Disorders and no experimental evidence demonstrating its impact on protein function have been reported. ClinVar contains an entry for this variant (Variation ID: 3167763). Based on the evidence outlined above, the variant was classified as uncertain significance.

Ambry Genetics
Classification: Uncertain significance. Last evaluated: 2024-01-03. Review status: criteria provided, single submitter. Criteria: Ambry Variant Classification Scheme 2023. Collection method: clinical testing. Allele origin: germline.